The following is an entry in ClinVar:

NM_001367624.2(ZNF469):c.11503G>A (p.Gly3835Arg)

Gene: ZNF469 (zinc finger protein 469; plus strand). Cytogenetic location: 16q24.2.
Variant type: single nucleotide variant.
Coding change: c.11503G>A on transcript NM_001367624.2 (MANE Select); coding-DNA position 11503, G replaced by A.
Protein change: p.Gly3835Arg; replaces glycine 3835 with arginine.
Molecular consequence: missense variant.
Genome position (GRCh38, 1-based): chr16:88,438,973, G>A. VCF-style: chr16-88438973-G-A. GRCh37 (hg19) VCF-style: chr16-88505381-G-A.
Other names: NM_001127464.2:c.11419G>A; NM_001127464.1:c.11419G>A; short protein forms G3835R.
Identifiers: ClinVar variation 1702112 (VCV001702112.8), dbSNP rs574550673, ClinGen allele CA8225615.

ClinVar aggregate classification (germline): Conflicting classifications of pathogenicity. Review status: criteria provided, conflicting classifications (1 of 4 stars). 3 submissions from 3 submitters: Uncertain significance (2); Benign (1). Last evaluated 2025-06-05.

Conditions:
Cardiovascular phenotype. Identifiers: MedGen CN230736.
Ehlers-Danlos syndrome (EDS). Identifiers: Orphanet 98249, MedGen C0013720, MONDO:0020066.

Allele frequency attached by ClinVar (database versions not stated): gnomAD 0.00008; TOPMed 0.00008.
gnomAD v4.1: 68 of 1,550,334 alleles (0.0044%); highest among the groups gnomAD compares: Admixed American, 0.02%; no homozygotes.

Submissions (3):

Ambry Genetics
Classification: Benign for Cardiovascular phenotype. Last evaluated: 2025-06-05. Review status: criteria provided, single submitter. Criteria: Ambry Variant Classification Scheme 2023. Collection method: clinical testing. Allele origin: germline.

Labcorp Genetics (formerly Invitae), Labcorp
Classification: Uncertain significance. Last evaluated: 2022-10-04. Review status: criteria provided, single submitter. Criteria: Invitae Variant Classification Sherloc (09022015). Collection method: clinical testing. Allele origin: germline.
Comment: This sequence change replaces glycine, which is neutral and non-polar, with arginine, which is basic and polar, at codon 3807 of the ZNF469 protein (p.Gly3807Arg). This variant is present in population databases (rs574550673, gnomAD 0.02%). This variant has not been reported in the literature in individuals affected with ZNF469-related conditions. Algorithms developed to predict the effect of missense changes on protein structure and function are either unavailable or do not agree on the potential impact of this missense change (SIFT: "Tolerated"; PolyPhen-2: "Possibly Damaging"; Align-GVGD: "Class C0"). In summary, the available evidence is currently insufficient to determine the role of this variant in disease. Therefore, it has been classified as a Variant of Uncertain Significance.

Genome Diagnostics Laboratory, The Hospital for Sick Children
Classification: Uncertain significance for Ehlers-Danlos syndrome. Last evaluated: 2019-06-01. Review status: criteria provided, single submitter. Criteria: ACMG Guidelines, 2015. Collection method: clinical testing. Allele origin: germline.